The following is an entry in ClinVar:

ClinVar aggregate classification (germline): Uncertain significance (1 of 4 stars; one submission).

Submission:

Labcorp Genetics (formerly Invitae), Labcorp
Classification: Uncertain significance. Last evaluated: 2022-03-12. Review status: criteria provided, single submitter. Criteria: Invitae Variant Classification Sherloc (09022015). Collection method: clinical testing. Allele origin: germline.
Comment: This sequence change replaces lysine, which is basic and polar, with asparagine, which is neutral and polar, at codon 1528 of the TOP2B protein (p.Lys1528Asn). This variant is not present in population databases (gnomAD no frequency). This variant has not been reported in the literature in individuals affected with TOP2B-related conditions. Algorithms developed to predict the effect of missense changes on protein structure and function are either unavailable or do not agree on the potential impact of this missense change (SIFT: "Tolerated"; PolyPhen-2: "Probably Damaging"; Align-GVGD: "Class C0"). In summary, the available evidence is currently insufficient to determine the role of this variant in disease. Therefore, it has been classified as a Variant of Uncertain Significance.

NM_001330700.2(TOP2B):c.4599G>C (p.Lys1533Asn)

Gene: TOP2B (DNA topoisomerase II beta; minus strand). Cytogenetic location: 3p24.2.
Variant type: single nucleotide variant.
Coding change: c.4599G>C on transcript NM_001330700.2 (MANE Select); coding-DNA position 4599, G replaced by C.
Protein change: p.Lys1533Asn; replaces lysine 1533 with asparagine.
Molecular consequence: missense variant.
Genome position (GRCh38, 1-based): chr3:25,601,116, C>G on the plus strand (G>C on the coding strand, the complement: TOP2B is on the minus strand). VCF-style: chr3-25601116-C-G. GRCh37 (hg19) VCF-style: chr3-25642607-C-G.
Other names: c.4584G>C, p.Lys1528Asn (NM_001068.3); short protein forms K1528N, K1533N.
Identifiers: ClinVar variation 2110291 (VCV002110291.4), dbSNP rs2529853903, ClinGen allele CA351890830.